The following is an entry in ClinVar:

NM_000143.4(FH):c.1410G>A (p.Lys470=)

Gene: FH (fumarate hydratase; minus strand). Cytogenetic location: 1q43.
Variant type: single nucleotide variant.
Coding change: c.1410G>A on transcript NM_000143.4 (MANE Select); coding-DNA position 1410, G replaced by A.
Protein change: p.Lys470=; no amino-acid change (lysine 470 retained).
Molecular consequence: synonymous variant.
Genome position (GRCh38, 1-based): chr1:241,497,951, C>T on the plus strand (G>A on the coding strand, the complement: FH is on the minus strand). VCF-style: chr1-241497951-C-T. GRCh37 (hg19) VCF-style: chr1-241661251-C-T.
Other names: c.1410G>A (NM_000143.3).
Identifiers: ClinVar variation 1108084 (VCV001108084.49), dbSNP rs1343209025, ClinGen allele CA424072906.

ClinVar aggregate classification (germline): Benign/Likely benign. Review status: criteria provided, multiple submitters, no conflicts (2 of 4 stars). 3 submissions from 3 submitters: Benign (1); Likely benign (2). Last evaluated 2025-07-15.

Conditions:
Hereditary cancer-predisposing syndrome. Also called: Neoplastic Syndromes, Hereditary; Hereditary Cancer Syndrome; Hereditary neoplastic syndrome; Tumor predisposition. Identifiers: Orphanet 140162, MedGen C0027672, MeSH D009386, MONDO:0015356.
Hereditary leiomyomatosis and renal cell cancer. Also called: Reed syndrome; Multiple cutaneous and uterine leiomyomatosis; Cutaneous leiomyomata with uterine leiomyomata; Leiomyoma, hereditary multiple, of skin; Multiple cutaneous and uterine leiomyomata; Multiple cutaneous leiomyomas. Identifiers: Orphanet 523, MedGen C1708350, MONDO:0007888, OMIM 150800, HP:0007437. Disease mechanism: loss of function.

Submissions (3):

Labcorp Genetics (formerly Invitae), Labcorp
Classification: Likely benign. Last evaluated: 2025-07-15. Review status: criteria provided, single submitter. Criteria: Invitae Variant Classification Sherloc (09022015). Collection method: clinical testing. Allele origin: germline.

Ambry Genetics
Classification: Likely benign for Hereditary cancer-predisposing syndrome. Last evaluated: 2025-03-24. Review status: criteria provided, single submitter. Criteria: Ambry Variant Classification Scheme 2023. Collection method: clinical testing. Allele origin: germline.

Myriad Genetics, Inc.
Classification: Benign for Hereditary leiomyomatosis and renal cell cancer. Last evaluated: 2024-10-21. Review status: criteria provided, single submitter. Criteria: Myriad Autosomal Dominant, Autosomal Recessive and X-Linked Classification Criteria (2023). Collection method: clinical testing. Allele origin: unknown.
Comment: This variant is considered benign. This variant is a silent/synonymous amino acid change and it is not expected to impact splicing.